The following is an entry in ClinVar:

ClinVar aggregate classification (germline): Uncertain significance (1 of 4 stars; one submission).

Conditions:
Cardiovascular phenotype. Identifiers: MedGen CN230736.

Submission:

Ambry Genetics
Classification: Uncertain significance for Cardiovascular phenotype. Last evaluated: 2025-05-30. Review status: criteria provided, single submitter. Criteria: Ambry Variant Classification Scheme 2023. Collection method: clinical testing. Allele origin: germline.
Comment: The p.R31K variant (also known as c.92G>A), located in coding exon 1 of the TECRL gene, results from a G to A substitution at nucleotide position 92. The arginine at codon 31 is replaced by lysine, an amino acid with highly similar properties. This amino acid position is conserved. In addition, this alteration is predicted to be tolerated by in silico analysis. Based on the available evidence, the clinical significance of this variant remains unclear.

NM_001010874.5(TECRL):c.92G>A (p.Arg31Lys)

Gene: TECRL (trans-2,3-enoyl-CoA reductase like; minus strand). Cytogenetic location: 4q13.1.
Variant type: single nucleotide variant.
Coding change: c.92G>A on transcript NM_001010874.5 (MANE Select); coding-DNA position 92, G replaced by A.
Protein change: p.Arg31Lys; replaces arginine 31 with lysine.
Molecular consequence: missense variant.
Genome position (GRCh38, 1-based): chr4:64,409,260, C>T on the plus strand (G>A on the coding strand, the complement: TECRL is on the minus strand). VCF-style: chr4-64409260-C-T. GRCh37 (hg19) VCF-style: chr4-65274978-C-T.
Other names: c.92G>A, p.Arg31Lys (NM_001363796.1); short protein forms R31K.
Identifiers: ClinVar variation 3966924 (VCV003966924.1).